The following is an entry in ClinVar:

NM_001370259.2(MEN1):c.784-14_784-12del

Gene: MEN1 (menin 1; minus strand). Cytogenetic location: 11q13.1.
Variant type: Deletion.
Coding change: c.784-14_784-12del on transcript NM_001370259.2 (MANE Select); 14 bases into the intron before coding-DNA position 784 through 12 bases into the intron before coding-DNA position 784, 3 bases deleted (CCT; older notation c.784-14_784-12delCCT).
Molecular consequence: intron variant.
Genome position (GRCh38, 1-based): chr11:64,807,231-64,807,233, AGG deleted on the plus strand (CCT on the coding strand, the reverse complement: MEN1 is on the minus strand); deleting any 3 consecutive bases within chr11:64,807,231-64,807,235 gives the same sequence; the c. name uses the placement nearest the transcript's 3' end. VCF-style (leftmost placement, unchanged base first): chr11-64807230-AAGG-A. GRCh37 (hg19) VCF-style: chr11-64574702-AAGG-A.
Other names: c.799-14_799-12del (NM_130804.3, NM_130803.3, NM_000244.4 and 5 more transcripts); c.679-14_679-12del (NM_001407148.1, NM_001407149.1, NM_001407151.1 and 2 more transcripts); c.784-14_784-12del (NM_130799.3, NM_001407144.1, NM_001370260.2 and 7 more transcripts).
Identifiers: ClinVar variation 4721417 (VCV004721417.1).
Genomic context (GRCh38, chr11:64,807,230, plus strand): 5'-TCTACTGACCTTTCCAGATGTCCCAGGTCATAGAGCAGCCAGAGCAGCTTCTAGGAGCCG[AAGG>A]AGAGAGTTATGAGCCACGGAACAGGGAGGAGAACGGGTCCTTAGCCTATCGGGCAGAGGT-3'

ClinVar aggregate classification (germline): Uncertain significance (1 of 4 stars; one submission).

Conditions:
Multiple endocrine neoplasia, type 1 (MEN1). Also called: Endocrine adenomatosis multiple; MEN 1; MEA I; MEN I; WERMER SYNDROME. Identifiers: Orphanet 652, MedGen C0025267, MeSH D018761, MONDO:0007540, OMIM 131100.

Submission:

Labcorp Genetics (formerly Invitae), Labcorp
Classification: Uncertain significance for Multiple endocrine neoplasia, type 1. Last evaluated: 2025-06-15. Review status: criteria provided, single submitter. Criteria: Invitae Variant Classification Sherloc (09022015). Collection method: clinical testing. Allele origin: germline.
Comment: This sequence change falls in intron 4 of the MEN1 gene. It does not directly change the encoded amino acid sequence of the MEN1 protein. This variant is not present in population databases (gnomAD no frequency). This variant has not been reported in the literature in individuals affected with MEN1-related conditions. Studies have shown that this variant is associated with inconclusive levels of altered splicing (internal data). In summary, the available evidence is currently insufficient to determine the role of this variant in disease. Therefore, it has been classified as a Variant of Uncertain Significance.